The following is an entry in ClinVar:

NM_174934.4(SCN4B):c.346del (p.Ile116fs)

Genes: SCN4B (sodium voltage-gated channel beta subunit 4; minus strand), LOC126861356 (BRD4-independent group 4 enhancer GRCh37_chr11:118014519-118015718; plus strand). Cytogenetic location: 11q23.3.
Variant type: Deletion.
Coding change: c.346del on transcript NM_174934.4 (MANE Select); coding-DNA position 346, one base deleted (A; older notation c.346delA).
Protein change: p.Ile116fs; shifts the reading frame from isoleucine 116.
Molecular consequence: frameshift variant. On other transcripts: intron variant (1).
Genome position (GRCh38, 1-based): chr11:118,143,950, T deleted on the plus strand (A on the coding strand, the reverse complement: SCN4B is on the minus strand). VCF-style (leftmost placement, unchanged base first): chr11-118143949-AT-A. GRCh37 (hg19) VCF-style: chr11-118014664-AT-A.
Other names: c.16del, p.Ile6fs (NM_001142349.2); c.62-2614del (NM_001142348.2); short protein forms I116fs, I6fs.
Identifiers: ClinVar variation 1363895 (VCV001363895.6), dbSNP rs2135503938, ClinGen allele CA2573146839.

ClinVar aggregate classification (germline): Uncertain significance (1 of 4 stars; one submission).

Conditions:
Long QT syndrome 10 (LQT10). Identifiers: Orphanet 101016, Orphanet 768, MedGen C2678484, MONDO:0012737, OMIM 611819.

Submission:

Labcorp Genetics (formerly Invitae), Labcorp
Classification: Uncertain significance for Long QT syndrome 10. Last evaluated: 2021-10-23. Review status: criteria provided, single submitter. Criteria: Invitae Variant Classification Sherloc (09022015). Collection method: clinical testing. Allele origin: germline.
Comment: This sequence change creates a premature translational stop signal (p.Ile116Leufs*3) in the SCN4B gene. It is expected to result in an absent or disrupted protein product. However, the current clinical and genetic evidence is not sufficient to establish whether loss-of-function variants in SCN4B cause disease. This variant is not present in population databases (ExAC no frequency). This variant has not been reported in the literature in individuals affected with SCN4B-related conditions. In summary, the available evidence is currently insufficient to determine the role of this variant in disease. Therefore, it has been classified as a Variant of Uncertain Significance.